The following is an entry in ClinVar:

NM_006929.5(SKIC2):c.127C>A (p.Leu43Ile)

Gene: SKIC2 (SKI2 subunit of superkiller complex; plus strand). Cytogenetic location: 6p21.33.
Variant type: single nucleotide variant.
Coding change: c.127C>A on transcript NM_006929.5 (MANE Select); coding-DNA position 127, C replaced by A.
Protein change: p.Leu43Ile; replaces leucine 43 with isoleucine.
Molecular consequence: missense variant.
Genome position (GRCh38, 1-based): chr6:31,960,010, C>A. VCF-style: chr6-31960010-C-A. GRCh37 (hg19) VCF-style: chr6-31927787-C-A.
Other names: c.127C>A (NM_006929.4); short protein forms L43I.
Identifiers: ClinVar variation 1496827 (VCV001496827.7), dbSNP rs765116656, ClinGen allele CA3729067.

ClinVar aggregate classification (germline): Uncertain significance. Review status: criteria provided, multiple submitters, no conflicts (2 of 4 stars). 2 submissions from 2 submitters: Uncertain significance (2). Last evaluated 2025-09-17.

Conditions:
Inborn genetic diseases. Identifiers: MedGen C0950123, MeSH D030342.

gnomAD v4.1: 49 of 1,611,642 alleles (0.003%); highest among the groups gnomAD compares: Middle Eastern, 0.016%; no homozygotes.

Submissions (2):

Labcorp Genetics (formerly Invitae), Labcorp
Classification: Uncertain significance. Last evaluated: 2025-09-17. Review status: criteria provided, single submitter. Criteria: Invitae Variant Classification Sherloc (09022015). Collection method: clinical testing. Allele origin: germline.
Comment: This sequence change replaces leucine, which is neutral and non-polar, with isoleucine, which is neutral and non-polar, at codon 43 of the SKIV2L protein (p.Leu43Ile). This variant is present in population databases (rs765116656, gnomAD 0.01%). This variant has not been reported in the literature in individuals affected with SKIV2L-related conditions. ClinVar contains an entry for this variant (Variation ID: 1496827). An algorithm developed to predict the effect of missense changes on protein structure and function (PolyPhen-2) suggests that this variant is likely to be tolerated. In summary, the available evidence is currently insufficient to determine the role of this variant in disease. Therefore, it has been classified as a Variant of Uncertain Significance.

Ambry Genetics
Classification: Uncertain significance for Inborn genetic diseases. Last evaluated: 2025-07-01. Review status: criteria provided, single submitter. Criteria: Ambry Variant Classification Scheme 2023. Collection method: clinical testing. Allele origin: germline.